The following is an entry in ClinVar:

ClinVar aggregate classification (germline): Uncertain significance. Review status: criteria provided, multiple submitters, no conflicts (2 of 4 stars). 3 submissions from 3 submitters: Uncertain significance (2). 1 of the submissions does not count toward it. Last evaluated 2023-03-08.

Conditions:
Hyper-IgE recurrent infection syndrome 4, autosomal recessive. Also called: HYPER-IgE RECURRENT INFECTION SYNDROME 4B, AUTOSOMAL RECESSIVE; HYPER-IgE SYNDROME 4B, AUTOSOMAL RECESSIVE, WITH RECURRENT INFECTIONS. Identifiers: MedGen C5193141, MONDO:0032796, OMIM 618523.
GP130-deficient hyper-IgE syndrome.

Allele frequency attached by ClinVar (database versions not stated): gnomAD exomes below 0.00001; gnomAD 0.00003 and 0.00004; TOPMed 0.00003.
gnomAD v4.1: 7 of 1,603,040 alleles (0.00044%); highest among the groups gnomAD compares: African/African-American, 0.004%; no homozygotes.

Submissions (3):

Labcorp Genetics (formerly Invitae), Labcorp
Classification: Uncertain significance. Last evaluated: 2023-03-08. Review status: criteria provided, single submitter. Criteria: Invitae Variant Classification Sherloc (09022015). Collection method: clinical testing. Allele origin: germline.
Comment: In summary, the available evidence is currently insufficient to determine the role of this variant in disease. Therefore, it has been classified as a Variant of Uncertain Significance. An algorithm developed to predict the effect of missense changes on protein structure and function (PolyPhen-2) suggests that this variant is likely to be tolerated. ClinVar contains an entry for this variant (Variation ID: 636252). This missense change has been observed in individual(s) with autosomal recessive hyper-IgE syndrome (PMID: 33771552). The frequency data for this variant in the population databases is considered unreliable, as metrics indicate poor data quality at this position in the gnomAD database. This sequence change replaces alanine, which is neutral and non-polar, with proline, which is neutral and non-polar, at codon 517 of the IL6ST protein (p.Ala517Pro).

Undiagnosed Diseases Network, NIH
Classification: Uncertain significance for GP130-deficient hyper-IgE syndrome. Last evaluated: 2019-01-23. Review status: criteria provided, single submitter. Criteria: ACMG Guidelines, 2015. Collection method: clinical testing. Allele origin: unknown. Inheritance: Autosomal recessive inheritance. Affected: yes. Observed: 1 variant allele, 1 compound heterozygote.

OMIM
Classification: Pathogenic for HYPER-IgE SYNDROME 4B, AUTOSOMAL RECESSIVE, WITH RECURRENT INFECTIONS. Last evaluated: 2023-10-05. Review status: no assertion criteria provided. Collection method: literature only. Allele origin: germline. Not counted in ClinVar's aggregate classification.

Literature cited by the submitters: PubMed 33771552 (cited by Labcorp Genetics (formerly Invitae), Labcorp and OMIM); PubMed 30309848 (cited by Undiagnosed Diseases Network, NIH); PubMed 28747427 (cited by Undiagnosed Diseases Network, NIH).

NM_002184.4(IL6ST):c.1549G>C (p.Ala517Pro)

Gene: IL6ST (interleukin 6 cytokine family signal transducer; minus strand). Cytogenetic location: 5q11.2.
Variant type: single nucleotide variant.
Coding change: c.1549G>C on transcript NM_002184.4 (MANE Select); coding-DNA position 1549, G replaced by C.
Protein change: p.Ala517Pro; replaces alanine 517 with proline.
Molecular consequence: missense variant. On other transcripts: 3 prime UTR variant (1), non-coding transcript variant (2), intron variant (1).
Genome position (GRCh38, 1-based): chr5:55,952,253, C>G on the plus strand (G>C on the coding strand, the complement: IL6ST is on the minus strand). VCF-style: chr5-55952253-C-G. GRCh37 (hg19) VCF-style: chr5-55248081-C-G.
Other names: c.1366G>C, p.Ala456Pro (NM_001190981.2); c.1339G>C, p.Ala447Pro (NM_001364276.2); c.682G>C, p.Ala228Pro (NM_001364277.2); c.646G>C, p.Ala216Pro (NM_001364278.2); c.553G>C, p.Ala185Pro (NM_001364279.2); c.*476G>C (NM_175767.3); c.1451-178G>C (NM_001364275.2); short protein forms A517P, A185P, A216P, A228P, A447P, A456P.
Identifiers: ClinVar variation 636252 (VCV000636252.9), dbSNP rs1381682599, ClinGen allele CA359762422.